The following is an entry in ClinVar:

ClinVar aggregate classification (germline): Uncertain significance. Review status: criteria provided, multiple submitters, no conflicts (2 of 4 stars). 2 submissions from 2 submitters: Uncertain significance (2). Last evaluated 2024-01-04.

Conditions:
Juvenile polyposis syndrome (JPS). Identifiers: Orphanet 2929, MedGen C0345893, MONDO:0017380, OMIM 174900.

Submissions (2):

Labcorp Genetics (formerly Invitae), Labcorp
Classification: Uncertain significance for Juvenile polyposis syndrome. Last evaluated: 2024-01-04. Review status: criteria provided, single submitter. Criteria: Invitae Variant Classification Sherloc (09022015). Collection method: clinical testing. Allele origin: germline.
Comment: This sequence change replaces aspartic acid, which is acidic and polar, with valine, which is neutral and non-polar, at codon 70 of the BMPR1A protein (p.Asp70Val). This variant is not present in population databases (gnomAD no frequency). This variant has not been reported in the literature in individuals affected with BMPR1A-related conditions. ClinVar contains an entry for this variant (Variation ID: 411614). Advanced modeling performed at Invitae incorporating data from internal and/or published experimental studies (Invitae) indicates that this missense variant is not expected to disrupt BMPR1A function with a negative predictive value of 95%. In summary, the available evidence is currently insufficient to determine the role of this variant in disease. Therefore, it has been classified as a Variant of Uncertain Significance.

Quest Diagnostics Nichols Institute San Juan Capistrano
Classification: Uncertain significance. Last evaluated: 2018-04-06. Review status: criteria provided, single submitter. Criteria: Quest Diagnostics criteria. Collection method: clinical testing. Allele origin: germline.

NM_004329.3(BMPR1A):c.209A>T (p.Asp70Val)

Gene: BMPR1A (bone morphogenetic protein receptor type 1A; plus strand). Cytogenetic location: 10q23.2.
Variant type: single nucleotide variant.
Coding change: c.209A>T on transcript NM_004329.3 (MANE Select); coding-DNA position 209, A replaced by T.
Protein change: p.Asp70Val; replaces aspartic acid 70 with valine.
Molecular consequence: missense variant.
Genome position (GRCh38, 1-based): chr10:86,890,203, A>T. VCF-style: chr10-86890203-A-T. GRCh37 (hg19) VCF-style: chr10-88649960-A-T.
Other names: short protein forms D70V.
Identifiers: ClinVar variation 411614 (VCV000411614.11), dbSNP rs1060503394, ClinGen allele CA16613102.